The following is an entry in ClinVar:

NM_001792.5(CDH2):c.208C>G (p.Gln70Glu)

Gene: CDH2 (cadherin 2; minus strand). Cytogenetic location: 18q12.1.
Variant type: single nucleotide variant.
Coding change: c.208C>G on transcript NM_001792.5 (MANE Select); coding-DNA position 208, C replaced by G.
Protein change: p.Gln70Glu; replaces glutamine 70 with glutamic acid.
Molecular consequence: missense variant.
Genome position (GRCh38, 1-based): chr18:28,013,874, G>C on the plus strand (C>G on the coding strand, the complement: CDH2 is on the minus strand). VCF-style: chr18-28013874-G-C. GRCh37 (hg19) VCF-style: chr18-25593838-G-C.
Other names: c.115C>G, p.Gln39Glu (NM_001308176.2); short protein forms Q39E, Q70E.
Identifiers: ClinVar variation 1785703 (VCV001785703.5), dbSNP rs1372835307, ClinGen allele CA402244724.

ClinVar aggregate classification (germline): Uncertain significance. Review status: criteria provided, multiple submitters, no conflicts (2 of 4 stars). 2 submissions from 2 submitters: Uncertain significance (2). Last evaluated 2025-05-05.

Conditions:
Inborn genetic diseases. Identifiers: MedGen C0950123, MeSH D030342.

Allele frequency attached by ClinVar (database versions not stated): gnomAD exomes below 0.00001; TOPMed below 0.00001; gnomAD 0.00001.
gnomAD v4.1: 4 of 1,613,240 alleles (0.00025%); highest among the groups gnomAD compares: Non-Finnish European, 0.00034%; no homozygotes.

Submissions (2):

Ambry Genetics
Classification: Uncertain significance for Inborn genetic diseases. Last evaluated: 2025-05-05. Review status: criteria provided, single submitter. Criteria: Ambry Variant Classification Scheme 2023. Collection method: clinical testing. Allele origin: germline.
Comment: The p.Q70E variant (also known as c.208C>G), located in coding exon 3 of the CDH2 gene, results from a C to G substitution at nucleotide position 208. The glutamine at codon 70 is replaced by glutamic acid, an amino acid with highly similar properties. This amino acid position is conserved. In addition, this alteration is predicted to be tolerated by in silico analysis. Since supporting evidence is limited at this time, the clinical significance of this alteration remains unclear.

Labcorp Genetics (formerly Invitae), Labcorp
Classification: Uncertain significance. Last evaluated: 2024-12-09. Review status: criteria provided, single submitter. Criteria: Invitae Variant Classification Sherloc (09022015). Collection method: clinical testing. Allele origin: germline.
Comment: This sequence change replaces glutamine, which is neutral and polar, with glutamic acid, which is acidic and polar, at codon 70 of the CDH2 protein (p.Gln70Glu). This variant is not present in population databases (gnomAD no frequency). This variant has not been reported in the literature in individuals affected with CDH2-related conditions. ClinVar contains an entry for this variant (Variation ID: 1785703). An algorithm developed to predict the effect of missense changes on protein structure and function (PolyPhen-2) suggests that this variant is likely to be tolerated. In summary, the available evidence is currently insufficient to determine the role of this variant in disease. Therefore, it has been classified as a Variant of Uncertain Significance.